The following is an entry in ClinVar:

ClinVar aggregate classification (germline): Uncertain significance (1 of 4 stars; one submission).

Conditions:
Hereditary cancer-predisposing syndrome. Also called: Neoplastic Syndromes, Hereditary; Hereditary Cancer Syndrome; Tumor predisposition; Hereditary neoplastic syndrome. Identifiers: Orphanet 140162, MedGen C0027672, MeSH D009386, MONDO:0015356.

Submission:

Ambry Genetics
Classification: Uncertain significance for Hereditary cancer-predisposing syndrome. Last evaluated: 2024-12-22. Review status: criteria provided, single submitter. Criteria: Ambry Variant Classification Scheme 2023. Collection method: clinical testing. Allele origin: germline.
Comment: The p.T71S variant (also known as c.211A>T), located in coding exon 1 of the STK11 gene, results from an A to T substitution at nucleotide position 211. The threonine at codon 71 is replaced by serine, an amino acid with similar properties. This amino acid position is conserved. In addition, the in silico prediction for this alteration is inconclusive. Based on the available evidence, the clinical significance of this variant remains unclear.

NM_000455.5(STK11):c.211A>T (p.Thr71Ser)

Gene: STK11 (serine/threonine kinase 11; plus strand). Cytogenetic location: 19p13.3.
Variant type: single nucleotide variant.
Coding change: c.211A>T on transcript NM_000455.5 (MANE Select); coding-DNA position 211, A replaced by T.
Protein change: p.Thr71Ser; replaces threonine 71 with serine.
Molecular consequence: missense variant. On other transcripts: non-coding transcript variant (1).
Genome position (GRCh38, 1-based): chr19:1,207,124, A>T. VCF-style: chr19-1207124-A-T. GRCh37 (hg19) VCF-style: chr19-1207123-A-T.
Other names: c.211A>T, p.Thr71Ser (NM_001407255.1); short protein forms T71S.
Identifiers: ClinVar variation 3802389 (VCV003802389.1).